The following is an entry in ClinVar:

NM_172107.4(KCNQ2):c.1301+7C>T

Gene: KCNQ2 (potassium voltage-gated channel subfamily Q member 2; minus strand). Cytogenetic location: 20q13.33.
Variant type: single nucleotide variant.
Coding change: c.1301+7C>T on transcript NM_172107.4 (MANE Select); 7 bases into the intron after coding-DNA position 1301, C replaced by T.
Molecular consequence: intron variant.
Genome position (GRCh38, 1-based): chr20:63,419,612, G>A on the plus strand (C>T on the coding strand, the complement: KCNQ2 is on the minus strand). VCF-style: chr20-63419612-G-A. GRCh37 (hg19) VCF-style: chr20-62050965-G-A.
Other names: c.1218-4486C>T (NM_001439004.1, NM_004518.6); c.1248-4522C>T (NM_172108.5); c.1248-4486C>T (NM_001439003.1, NM_172106.3, NM_001382235.1).
Identifiers: ClinVar variation 138020 (VCV000138020.54), dbSNP rs374877247, ClinGen allele CA291792.
Genomic context (GRCh38, chr20:63,419,612, plus strand): 5'-TAGTAAGCAGGGAGGGGCAGAGGAGCCGTGCAGCAGCCGTCAGTCCGTGCGGCGTGTTCC[G>A]CGGTACCTAGAGCGTCCGGGGCAGCATCCACACAGGGGCCCTCTGCACGGGCTGCCTTTA-3'

ClinVar aggregate classification (germline): Conflicting classifications of pathogenicity. Review status: criteria provided, conflicting classifications (1 of 4 stars). 5 submissions from 5 submitters: Uncertain significance (1); Benign (1); Likely benign (3). Last evaluated 2026-01-28.

Conditions:
Early-infantile DEE. Also called: Early infantile epileptic encephalopathy; Early infantile epileptic encephalopathy with suppression bursts; Ohtahara syndrome. Identifiers: Orphanet 1934, MedGen C0393706, MONDO:0800491.

Allele frequency attached by ClinVar (database versions not stated): gnomAD 0.00011 and 0.00010; TOPMed 0.00011; gnomAD exomes 0.00015 and 0.00020; ESP Exome Variant Server 0.00008; ExAC 0.00019; 1000 Genomes Project below 0.00001.
gnomAD v4.1: 312 of 1,608,470 alleles (0.019%); highest among the groups gnomAD compares: Middle Eastern, 0.17%; no homozygotes.

Submissions (5):

Labcorp Genetics (formerly Invitae), Labcorp
Classification: Likely benign for Early-infantile DEE. Last evaluated: 2026-01-28. Review status: criteria provided, single submitter. Criteria: Invitae Variant Classification Sherloc (09022015). Collection method: clinical testing. Allele origin: germline.

Blueprint Genetics
Classification: Likely benign. Last evaluated: 2024-11-28. Review status: criteria provided, single submitter. Criteria: ACMG Guidelines, 2015. Collection method: clinical testing. Allele origin: germline.

CeGaT Center for Human Genetics Tuebingen
Classification: Likely benign. Last evaluated: 2019-11-01. Review status: criteria provided, single submitter. Criteria: CeGaT Center For Human Genetics Tuebingen Variant Classification Criteria Version 2. Collection method: clinical testing. Allele origin: germline. Affected: yes. Observed: 1 variant allele.

Eurofins Ntd Llc (ga)
Classification: Uncertain significance. Last evaluated: 2017-05-12. Review status: criteria provided, single submitter. Criteria: EGL Classification Definitions 2015. Collection method: clinical testing. Allele origin: germline. Observed: 2 variant alleles, 2 heterozygotes.

GeneDx
Classification: Benign. Last evaluated: 2014-06-05. Review status: criteria provided, single submitter. Criteria: GeneDx Variant Classification (06012015). Collection method: clinical testing. Allele origin: germline. Affected: yes.
Comment: This variant is considered likely benign or benign based on one or more of the following criteria: it is a conservative change, it occurs at a poorly conserved position in the protein, it is predicted to be benign by multiple in silico algorithms, and/or has population frequency not consistent with disease.